The following is an entry in ClinVar:

NM_001369.3(DNAH5):c.9400G>A (p.Asp3134Asn)

Gene: DNAH5 (dynein axonemal heavy chain 5; minus strand). Cytogenetic location: 5p15.2.
Variant type: single nucleotide variant.
Coding change: c.9400G>A on transcript NM_001369.3 (MANE Select); coding-DNA position 9400, G replaced by A.
Protein change: p.Asp3134Asn; replaces aspartic acid 3134 with asparagine.
Molecular consequence: missense variant.
Genome position (GRCh38, 1-based): chr5:13,770,954, C>T on the plus strand (G>A on the coding strand, the complement: DNAH5 is on the minus strand). VCF-style: chr5-13770954-C-T. GRCh37 (hg19) VCF-style: chr5-13771063-C-T.
Other names: short protein forms D3134N.
Identifiers: ClinVar variation 969869 (VCV000969869.8), dbSNP rs1038976235, ClinGen allele CA113933116.
Genomic context (GRCh38, chr5:13,770,954, plus strand): 5'-CCTGGAAGGAGCCCATGCATTGGACCACCTCCTTCTTGATTTCCAAACTGCAGTCAATAT[C>T]ATAGGAAGTGAGGAAGTGTTCAGACACTAGAGAGAATAAAGATGACAGTGTGTGAAATAT-3'
Protein context (NP_001360.1, residues 3124-3144): AVSEHFLTSY[Asp3134Asn]IDCSLEIKKE

ClinVar aggregate classification (germline): Uncertain significance. Review status: criteria provided, multiple submitters, no conflicts (2 of 4 stars). 3 submissions from 3 submitters: Uncertain significance (2). 1 of the submissions does not count toward it. Last evaluated 2025-01-09.

Conditions:
Primary ciliary dyskinesia. Also called: Ciliary dyskinesia. Identifiers: Orphanet 244, MedGen C0008780, MONDO:0016575, HP:0012265.

Allele frequency attached by ClinVar (database versions not stated): gnomAD exomes 0.00001 and 0.00003; gnomAD 0.00003 and 0.00004; TOPMed 0.00004.
gnomAD v4.1: 50 of 1,613,774 alleles (0.0031%); highest among the groups gnomAD compares: Non-Finnish European, 0.0041%; no homozygotes.

Submissions (3):

Ambry Genetics
Classification: Uncertain significance for Primary ciliary dyskinesia. Last evaluated: 2025-01-09. Review status: criteria provided, single submitter. Criteria: Ambry Variant Classification Scheme 2023. Collection method: clinical testing. Allele origin: germline.

Labcorp Genetics (formerly Invitae), Labcorp
Classification: Uncertain significance for Primary ciliary dyskinesia. Last evaluated: 2021-08-27. Review status: criteria provided, single submitter. Criteria: Invitae Variant Classification Sherloc (09022015). Collection method: clinical testing. Allele origin: germline.
Comment: This sequence change replaces aspartic acid with asparagine at codon 3134 of the DNAH5 protein (p.Asp3134Asn). The aspartic acid residue is moderately conserved and there is a small physicochemical difference between aspartic acid and asparagine. This variant is not present in population databases (ExAC no frequency). This variant has not been reported in the literature in individuals affected with DNAH5-related conditions. Algorithms developed to predict the effect of missense changes on protein structure and function output the following: SIFT: "Tolerated"; PolyPhen-2: "Possibly Damaging"; Align-GVGD: "Class C0". The asparagine amino acid residue is found in multiple mammalian species, which suggests that this missense change does not adversely affect protein function. In summary, the available evidence is currently insufficient to determine the role of this variant in disease. Therefore, it has been classified as a Variant of Uncertain Significance.

Natera, Inc.
Classification: Uncertain significance for Primary ciliary dyskinesia. Last evaluated: 2020-04-21. Review status: no assertion criteria provided. Collection method: clinical testing. Allele origin: germline. Not counted in ClinVar's aggregate classification.